The following is an entry in ClinVar:

ClinVar aggregate classification (germline): Uncertain significance (1 of 4 stars; one submission).

Submission:

GeneDx
Classification: Uncertain significance. Last evaluated: 2017-08-02. Review status: criteria provided, single submitter. Criteria: GeneDx Variant Classification (06012015). Collection method: clinical testing. Allele origin: germline. Affected: yes.
Comment: A variant of uncertain significance has been identified in the TNNI3 gene. The D7H variant has not been published as pathogenic or been reported as benign to our knowledge. This variant is not observed in large population cohorts (Lek et al., 2016; 1000 Genomes Consortium et al., 2015; Exome Variant Server). The D7H variant is a non-conservative amino acid substitution, which is likely to impact secondary protein structure as these residues differ in polarity, charge, size and/or other properties. However, this substitution occurs at a position that is not conserved across species. Finally, in silico analysis suggests that this variant likely does not alter the protein structure/function.

NM_000363.5(TNNI3):c.19G>C (p.Asp7His)

Gene: TNNI3 (troponin I3, cardiac type; minus strand). Cytogenetic location: 19q13.42.
Variant type: single nucleotide variant.
Coding change: c.19G>C on transcript NM_000363.5 (MANE Select); coding-DNA position 19, G replaced by C.
Protein change: p.Asp7His; replaces aspartic acid 7 with histidine.
Molecular consequence: missense variant.
Genome position (GRCh38, 1-based): chr19:55,157,301, C>G on the plus strand (G>C on the coding strand, the complement: TNNI3 is on the minus strand). VCF-style: chr19-55157301-C-G. GRCh37 (hg19) VCF-style: chr19-55668669-C-G.
Other names: c.19G>C (LRG_432t1); short protein forms D7H.
Identifiers: ClinVar variation 450941 (VCV000450941.2), dbSNP rs1201960520, ClinGen allele CA407443378.
Genomic context (GRCh38, chr19:55,157,301, plus strand): 5'-CAGCGCCCACCCTGGCCCTGGGGGTCCCAGCCACGCCTTAGCCCGCTGCTCTCACCGCAT[C>G]GCTGCTCCTGGAAGGAGAGAAACCAAGGAGGGGGGTTAGTGGTGGGCTGTGTCCTGTCTC-3'
Protein context (NP_000354.4, residues 1-17): MADGSS[Asp7His]AAREPRPAPA